The following is an entry in ClinVar:

NM_001042492.3(NF1):c.1744T>G (p.Cys582Gly)

Gene: NF1 (neurofibromin 1; plus strand). Cytogenetic location: 17q11.2.
Variant type: single nucleotide variant.
Coding change: c.1744T>G on transcript NM_001042492.3 (MANE Select); coding-DNA position 1744, T replaced by G.
Protein change: p.Cys582Gly; replaces cysteine 582 with glycine.
Molecular consequence: missense variant.
Genome position (GRCh38, 1-based): chr17:31,223,466, T>G. VCF-style: chr17-31223466-T-G. GRCh37 (hg19) VCF-style: chr17-29550484-T-G.
Other names: c.1744T>G, p.Cys582Gly (NM_000267.4); short protein forms C582G.
Identifiers: ClinVar variation 656004 (VCV000656004.5), dbSNP rs1597708661, ClinGen allele CA399004079.

ClinVar aggregate classification (germline): Uncertain significance (1 of 4 stars; one submission).

Conditions:
Neurofibromatosis, type 1 (NF1). Also called: VON RECKLINGHAUSEN DISEASE; NEUROFIBROMATOSIS, TYPE I, SOMATIC; Peripheral type neurofibromatosis; Neurofibromatosis, type I. Identifiers: Orphanet 636, MedGen C0027831, MONDO:0018975, OMIM 162200. Disease mechanism: loss of function.

Submission:

Labcorp Genetics (formerly Invitae), Labcorp
Classification: Uncertain significance for Neurofibromatosis, type 1. Last evaluated: 2025-12-12. Review status: criteria provided, single submitter. Criteria: Invitae Variant Classification Sherloc (09022015). Collection method: clinical testing. Allele origin: germline.
Comment: This sequence change replaces cysteine, which is neutral and slightly polar, with glycine, which is neutral and non-polar, at codon 582 of the NF1 protein (p.Cys582Gly). This variant is not present in population databases (gnomAD no frequency). This variant has not been reported in the literature in individuals affected with NF1-related conditions. ClinVar contains an entry for this variant (Variation ID: 656004). Invitae Evidence Modeling of protein sequence and biophysical properties (such as structural, functional, and spatial information, amino acid conservation, physicochemical variation, residue mobility, and thermodynamic stability) indicates that this missense variant is expected to disrupt NF1 protein function with a positive predictive value of 80%. In summary, the available evidence is currently insufficient to determine the role of this variant in disease. Therefore, it has been classified as a Variant of Uncertain Significance.